The following is an entry in ClinVar:

ClinVar aggregate classification (germline): Conflicting classifications of pathogenicity. Review status: criteria provided, conflicting classifications (1 of 4 stars). 2 submissions from 2 submitters: Likely pathogenic (1); Uncertain significance (1). Last evaluated 2024-03-01.

Conditions:
Aromatase deficiency. Also called: Increased aromatase activity; PSEUDOHERMAPHRODITISM, FEMALE, DUE TO PLACENTAL AROMATASE DEFICIENCY. Identifiers: Orphanet 91, MedGen C1960539, MONDO:0013301, OMIM 613546.

Allele frequency attached by ClinVar (database versions not stated): gnomAD 0.00001; ExAC 0.00002; 1000 Genomes Project 0.00020; 1000 Genomes Project 30x 0.00031.
gnomAD v4.1: 10 of 1,589,978 alleles (0.00063%); highest among the groups gnomAD compares: East Asian, 0.0089%; no homozygotes.

Submissions (2):

Natera, Inc.
Classification: Likely pathogenic for Aromatase deficiency. Last evaluated: 2024-03-01. Review status: criteria provided, single submitter. Criteria: Natera Variant Classification Schema (03/2026). Collection method: clinical testing. Allele origin: germline.
Comment: The c.1093C>T variant in CYP19A1 is a missense variant predicted to cause substitution of arginine to tryptophan at amino acid 365. This variant is rare in the general population with a frequency below the threshold expected for the associated phenotype(s). This variant has been observed in one or more individuals affected with the associated recessive disease, as either homozygous or compound heterozygous with a second variant (PMID: 35837780). A different variant at the same position has been determined to be Pathogenic or Likely Pathogenic. Computational prediction algorithms indicate this variant is likely to affect gene or protein function. Given the available evidence, this variant is classified as Likely Pathogenic.

Women's Health and Genetics/Laboratory Corporation of America, LabCorp
Classification: Uncertain significance. Last evaluated: 2023-05-15. Review status: criteria provided, single submitter. Criteria: LabCorp Variant Classification Summary - May 2015. Collection method: clinical testing. Allele origin: germline.
Comment: Variant summary: CYP19A1 c.1093C>T (p.Arg365Trp) results in a non-conservative amino acid change in the encoded protein sequence. Five of five in-silico tools predict a damaging effect of the variant on protein function. The variant allele was found at a frequency of 8e-06 in 251058 control chromosomes (gnomAD). These data indicate that the variant may be associated with disease. To our knowledge, no experimental evidence demonstrating an impact on protein function has been reported. The following publication has been ascertained in the context of this evaluation (PMID: 35837780). No clinical diagnostic laboratories have submitted clinical-significance assessments for this variant to ClinVar after 2014. Based on the evidence outlined above, the variant was classified as VUS-possibly pathogenic.

Literature cited by the submitters: PubMed 35837780 (cited by Natera, Inc. and Women's Health and Genetics/Laboratory Corporation of America, LabCorp).

NM_000103.4(CYP19A1):c.1093C>T (p.Arg365Trp)

Genes: CYP19A1 (cytochrome P450 family 19 subfamily A member 1; minus strand), PIRC66 (piwi-interacting RNA cluster 66; plus strand), MIR4713HG (MIR4713 host gene; plus strand). Cytogenetic location: 15q21.2.
Variant type: single nucleotide variant.
Coding change: c.1093C>T on transcript NM_000103.4 (MANE Select); coding-DNA position 1093, C replaced by T.
Protein change: p.Arg365Trp; replaces arginine 365 with tryptophan.
Molecular consequence: missense variant.
Genome position (GRCh38, 1-based): chr15:51,212,490, G>A on the plus strand (C>T on the coding strand, the complement: CYP19A1 is on the minus strand). VCF-style: chr15-51212490-G-A. GRCh37 (hg19) VCF-style: chr15-51504687-G-A.
Other names: c.1093C>T, p.Arg365Trp (NM_001347248.1, NM_001347249.2, NM_001347250.2 and 7 more transcripts); short protein forms R365W.
Identifiers: ClinVar variation 2506062 (VCV002506062.2), dbSNP rs202076619, ClinGen allele CA7559867.